The following is an entry in ClinVar:

NM_025137.4(SPG11):c.*243A>G

Gene: SPG11 (SPG11 vesicle trafficking associated, spatacsin; minus strand). Cytogenetic location: 15q21.1.
Variant type: single nucleotide variant.
Coding change: c.*243A>G on transcript NM_025137.4 (MANE Select); 243 bases downstream of the stop codon, A replaced by G.
Molecular consequence: 3 prime UTR variant.
Genome position (GRCh38, 1-based): chr15:44,562,878, T>C on the plus strand (A>G on the coding strand, the complement: SPG11 is on the minus strand). VCF-style: chr15-44562878-T-C. GRCh37 (hg19) VCF-style: chr15-44855076-T-C.
Other names: c.*243A>G (NM_001160227.2).
Identifiers: ClinVar variation 316071 (VCV000316071.9), dbSNP rs116069609, ClinGen allele CA10646014.

ClinVar aggregate classification (germline): Likely benign. Review status: criteria provided, multiple submitters, no conflicts (2 of 4 stars). 5 submissions from 3 submitters: Likely benign (5). Last evaluated 2019-10-10.

Conditions:
Charcot-Marie-Tooth disease axonal type 2X. Also called: CHARCOT-MARIE-TOOTH DISEASE, AXONAL, AUTOSOMAL RECESSIVE, TYPE 2X; CHARCOT-MARIE-TOOTH NEUROPATHY, TYPE 2X. Identifiers: Orphanet 466775, MedGen C5569024, MONDO:0014726, OMIM 616668.
Hereditary spastic paraplegia 11. Also called: SPASTIC PARAPLEGIA, AUTOSOMAL RECESSIVE, COMPLICATED, WITH THIN CORPUS CALLOSUM; SPASTIC PARAPLEGIA, AUTOSOMAL RECESSIVE, WITH MENTAL IMPAIRMENT AND THIN CORPUS CALLOSUM; Nakamura Osame syndrome; Autosomal recessive hereditary spastic paraplegia, mental impairment, and thin corpus callosum; Spastic paraplegia, mental retardation and thin corpus callosum; Spastic Paraplegia 11. Identifiers: Orphanet 2822, MedGen C1858479, MONDO:0011445, OMIM 604360.
Amyotrophic lateral sclerosis type 5 (ALS5). Also called: AMYOTROPHIC LATERAL SCLEROSIS 5, JUVENILE. Identifiers: Orphanet 300605, MedGen C1865864, MONDO:0011196, OMIM 602099.

Allele frequency attached by ClinVar (database versions not stated): gnomAD exomes 0.00084; gnomAD 0.00638 and 0.00669; TOPMed 0.00663; 1000 Genomes Project 0.01158; 1000 Genomes Project 30x 0.01218.
gnomAD v4.1: 1,276 of 480,424 alleles (0.27%); highest among the groups gnomAD compares: African/African-American, 2.1%; 13 homozygotes.

Submissions (5):

GeneDx
Classification: Likely benign. Last evaluated: 2019-10-10. Review status: criteria provided, single submitter. Criteria: GeneDx Variant Classification Process June 2021. Collection method: clinical testing. Allele origin: germline. Affected: yes.

Illumina Laboratory Services, Illumina
Classification: Likely benign for Hereditary spastic paraplegia 11. Last evaluated: 2018-01-13. Review status: criteria provided, single submitter. Criteria: ICSL Variant Classification Criteria 13 December 2019. Collection method: clinical testing. Allele origin: germline.
Comment: This variant was observed in the ICSL laboratory as part of a predisposition screen in an ostensibly healthy population. It had not been previously curated by ICSL or reported in the Human Gene Mutation Database (HGMD: prior to June 1st, 2018), and was therefore a candidate for classification through an automated scoring system. Utilizing variant allele frequency, disease prevalence and penetrance estimates, and inheritance mode, an automated score was calculated to assess if this variant is too frequent to cause the disease. Based on the score and internal cut-off values, a variant classified as likely benign is not then subjected to further curation. The score for this variant resulted in a classification of likely benign for this disease.

Genome-Nilou Lab
Classification: Likely benign for Amyotrophic lateral sclerosis type 5. Review status: criteria provided, single submitter. Criteria: ACMG Guidelines, 2015. Collection method: clinical testing. Allele origin: germline.

Genome-Nilou Lab
Classification: Likely benign for Charcot-Marie-Tooth disease axonal type 2X. Review status: criteria provided, single submitter. Criteria: ACMG Guidelines, 2015. Collection method: clinical testing. Allele origin: germline.

Genome-Nilou Lab
Classification: Likely benign for Hereditary spastic paraplegia 11. Review status: criteria provided, single submitter. Criteria: ACMG Guidelines, 2015. Collection method: clinical testing. Allele origin: germline.